The following is an entry in ClinVar:

ClinVar aggregate classification (germline): Uncertain significance. Review status: criteria provided, multiple submitters, no conflicts (2 of 4 stars). 2 submissions from 2 submitters: Uncertain significance (2). Last evaluated 2022-10-27.

Conditions:
Leber congenital amaurosis 6 (LCA6). Identifiers: Orphanet 65, MedGen C1854260, MONDO:0013446, OMIM 613826.
Cone-rod dystrophy 13 (CORD13). Identifiers: Orphanet 1872, MedGen C2750720, MONDO:0011987, OMIM 608194.

Allele frequency attached by ClinVar (database versions not stated): gnomAD 0.00001; TOPMed 0.00001.
gnomAD v4.1: 2 of 1,606,540 alleles (0.00012%); highest among the groups gnomAD compares: Non-Finnish European, 0.00017%; no homozygotes.

Submissions (2):

Blueprint Genetics
Classification: Uncertain significance. Last evaluated: 2022-10-27. Review status: criteria provided, single submitter. Criteria: ACMG Guidelines, 2015. Collection method: clinical testing. Allele origin: germline.

Labcorp Genetics (formerly Invitae), Labcorp
Classification: Uncertain significance for Leber congenital amaurosis 6; Cone-rod dystrophy 13. Last evaluated: 2020-08-08. Review status: criteria provided, single submitter. Criteria: Invitae Variant Classification Sherloc (09022015). Collection method: clinical testing. Allele origin: germline.
Comment: Algorithms developed to predict the effect of missense changes on protein structure and function output the following: SIFT: "Tolerated"; PolyPhen-2: "Benign"; Align-GVGD: "Class C0". The phenylalanine amino acid residue is found in multiple mammalian species, suggesting that this missense change does not adversely affect protein function. These predictions have not been confirmed by published functional studies and their clinical significance is uncertain. This variant has not been reported in the literature in individuals with RPGRIP1-related conditions. This variant is not present in population databases (ExAC no frequency). This sequence change replaces serine with phenylalanine at codon 955 of the RPGRIP1 protein (p.Ser955Phe). The serine residue is weakly conserved and there is a large physicochemical difference between serine and phenylalanine. In summary, the available evidence is currently insufficient to determine the role of this variant in disease. Therefore, it has been classified as a Variant of Uncertain Significance.

NM_020366.4(RPGRIP1):c.2864C>T (p.Ser955Phe)

Gene: RPGRIP1 (RPGR interacting protein 1; plus strand). Cytogenetic location: 14q11.2.
Variant type: single nucleotide variant.
Coding change: c.2864C>T on transcript NM_020366.4 (MANE Select); coding-DNA position 2864, C replaced by T.
Protein change: p.Ser955Phe; replaces serine 955 with phenylalanine.
Molecular consequence: missense variant.
Genome position (GRCh38, 1-based): chr14:21,327,776, C>T. VCF-style: chr14-21327776-C-T. GRCh37 (hg19) VCF-style: chr14-21795935-C-T.
Other names: c.842C>T, p.Ser281Phe (NM_001377523.1, NM_001377950.1); c.1790C>T, p.Ser597Phe (NM_001377948.1); c.950C>T, p.Ser317Phe (NM_001377949.1); c.344C>T, p.Ser115Phe (NM_001377951.1); short protein forms S115F, S281F, S317F, S597F, S955F.
Identifiers: ClinVar variation 1013935 (VCV001013935.9), dbSNP rs1437116017, ClinGen allele CA388870787.
Genomic context (GRCh38, chr14:21,327,776, plus strand): 5'-TCCTGAAACCAGAAGCTCAGACTAAGGGGAAGGATACCAAGGACAGTTCAAAGATCTCAT[C>T]TGAAGAGGAAAAGGCTTCATTTCCTTCCCAGGTAACTCTCCAGGACTCCACAGGTAGCAG-3'
Protein context (NP_065099.3, residues 945-965): KDTKDSSKIS[Ser955Phe]EEEKASFPSQ